The following is an entry in ClinVar:

ClinVar aggregate classification (germline): Likely pathogenic (1 of 4 stars; one submission).

Submission:

GeneDx
Classification: Likely pathogenic. Last evaluated: 2016-04-28. Review status: criteria provided, single submitter. Criteria: GeneDx Variant Classification (06012015). Collection method: clinical testing. Allele origin: germline. Affected: yes.
Comment: The c.724delC variant in the PIGL gene has not been reported previously as a pathogenic variant nor as a benignvariant, to our knowledge. The c.724delC variant causes a frameshift starting with codon Arginine 242, changes thisamino acid to a Glycine residue, and creates a premature Stop codon at position 3 of the new reading frame, denotedp.Arg242GlyfsX3. This variant is predicted to cause loss of normal protein function through protein truncation. Thec.724delC variant was not observed in approximately 6500 individuals of European and African American ancestry inthe NHLBI Exome Sequencing Project, indicating it is not a common benign variant in these populations. Thec.724delC variant is a strong candidate for a pathogenic variant, however the possibility it may be a rare benignvariant cannot be excluded.

NM_004278.4(PIGL):c.724del (p.Arg242fs)

Gene: PIGL (phosphatidylinositol glycan anchor biosynthesis class L; plus strand). Cytogenetic location: 17p11.2.
Variant type: Deletion.
Coding change: c.724del on transcript NM_004278.4 (MANE Select); coding-DNA position 724, one base deleted (C; older notation c.724delC).
Protein change: p.Arg242fs; shifts the reading frame from arginine 242.
Molecular consequence: frameshift variant.
Genome position (GRCh38, 1-based): chr17:16,325,863, C deleted; the last of 3 consecutive C bases (chr17:16,325,861-16,325,863); deleting any one gives the same sequence. VCF-style (leftmost placement, unchanged base first): chr17-16325860-TC-T. GRCh37 (hg19) VCF-style: chr17-16229174-TC-T.
Other names: short protein forms R242fs.
Identifiers: ClinVar variation 421029 (VCV000421029.2), dbSNP rs1064794861, ClinGen allele CA16620335.